The following is an entry in ClinVar:

NM_031483.7(ITCH):c.467G>A (p.Cys156Tyr)

Gene: ITCH (itchy E3 ubiquitin protein ligase; plus strand). Cytogenetic location: 20q11.22.
Variant type: single nucleotide variant.
Coding change: c.467G>A on transcript NM_031483.7 (MANE Select); coding-DNA position 467, G replaced by A.
Protein change: p.Cys156Tyr; replaces cysteine 156 with tyrosine.
Molecular consequence: missense variant.
Genome position (GRCh38, 1-based): chr20:34,413,871, G>A. VCF-style: chr20-34413871-G-A. GRCh37 (hg19) VCF-style: chr20-33001677-G-A.
Other names: c.467G>A, p.Cys156Tyr (NM_001257137.3, NM_001324197.2, NM_001324198.2); c.137G>A, p.Cys46Tyr (NM_001257138.3); c.467G>A (NM_031483.4); short protein forms C156Y, C46Y.
Identifiers: ClinVar variation 538756 (VCV000538756.16), dbSNP rs149625278, ClinGen allele CA9821308.

ClinVar aggregate classification (germline): Conflicting classifications of pathogenicity. Review status: criteria provided, conflicting classifications (1 of 4 stars). 4 submissions from 4 submitters: Uncertain significance (1); Likely benign (2). 1 of the submissions does not count toward it. Last evaluated 2026-01-18.

Conditions:
ITCH-related disorder. Also called: ITCH-related condition.
Inborn genetic diseases. Identifiers: MedGen C0950123, MeSH D030342.
Syndromic multisystem autoimmune disease due to ITCH deficiency. Also called: AUTOIMMUNE DISEASE, MULTISYSTEM, WITH FACIAL DYSMORPHISM. Identifiers: Orphanet 228426, MedGen C3150649, MONDO:0013245, OMIM 613385.

Allele frequency attached by ClinVar (database versions not stated): gnomAD 0.00014 and 0.00038; TOPMed 0.00014; gnomAD exomes 0.00048 and 0.00092; ESP Exome Variant Server 0.00062; ExAC 0.00100; 1000 Genomes Project 0.00160; 1000 Genomes Project 30x 0.00172.
gnomAD v4.1: 750 of 1,612,954 alleles (0.046%); highest among the groups gnomAD compares: South Asian, 0.65%; 5 homozygotes.

Submissions (4):

Labcorp Genetics (formerly Invitae), Labcorp
Classification: Likely benign for Syndromic multisystem autoimmune disease due to ITCH deficiency. Last evaluated: 2026-01-18. Review status: criteria provided, single submitter. Criteria: Invitae Variant Classification Sherloc (09022015). Collection method: clinical testing. Allele origin: germline.

Blueprint Genetics
Classification: Likely benign. Last evaluated: 2024-10-08. Review status: criteria provided, single submitter. Criteria: ACMG Guidelines, 2015. Collection method: clinical testing. Allele origin: germline.

Ambry Genetics
Classification: Uncertain significance for Inborn genetic diseases. Last evaluated: 2024-03-30. Review status: criteria provided, single submitter. Criteria: Ambry Variant Classification Scheme 2023. Collection method: clinical testing. Allele origin: germline.

PreventionGenetics, part of Exact Sciences
Classification: Likely benign for ITCH-related condition. Last evaluated: 2023-04-26. Review status: no assertion criteria provided. Collection method: clinical testing. Allele origin: germline. Not counted in ClinVar's aggregate classification.
Comment: This variant is classified as likely benign based on ACMG/AMP sequence variant interpretation guidelines (Richards et al. 2015 PMID: 25741868, with internal and published modifications).